The following is an entry in ClinVar:

NM_183050.4(BCKDHB):c.592_593del (p.Gln198fs)

Gene: BCKDHB (branched chain keto acid dehydrogenase E1 subunit beta; plus strand). Cytogenetic location: 6q14.1.
Variant type: Deletion.
Coding change: c.592_593del on transcript NM_183050.4 (MANE Select); coding-DNA positions 592 to 593, 2 bases deleted (CA; older notation c.592_593delCA).
Protein change: p.Gln198fs; shifts the reading frame from glutamine 198.
Molecular consequence: frameshift variant. On other transcripts: non-coding transcript variant (1).
Genome position (GRCh38, 1-based): chr6:80,168,989-80,168,990, CA deleted. VCF-style (leftmost placement, unchanged base first): chr6-80168988-TCA-T. GRCh37 (hg19) VCF-style: chr6-80878705-TCA-T.
Other names: c.592_593del, p.Gln198fs (NM_000056.5); c.382_383del, p.Gln128fs (NM_001318975.1); short protein forms Q128fs, Q198fs.
Identifiers: ClinVar variation 96598 (VCV000096598.11), dbSNP rs398124586, ClinGen allele CA224324.

ClinVar aggregate classification (germline): Pathogenic/Likely pathogenic. Review status: criteria provided, multiple submitters, no conflicts (2 of 4 stars). 3 submissions from 3 submitters: Pathogenic (2); Likely pathogenic (1). Last evaluated 2024-03-27.

Conditions:
Maple syrup urine disease type 1B (MSUD1B). Also called: MSUD type IB; MSUD type 3 (formerly); MSUD due to deficiency of e1-beta subunit of branched-chain alpha-keto acid dehydrogenase complex. Identifiers: MedGen C2930990, MONDO:0023692, OMIM 620698.
Maple syrup urine disease (MSUD). Identifiers: Orphanet 511, MedGen C0024776, MeSH D008375, MONDO:0009563. Disease mechanism: loss of function.

Submissions (3):

Fulgent Genetics
Classification: Likely pathogenic for Maple syrup urine disease type 1B. Last evaluated: 2024-03-27. Review status: criteria provided, single submitter. Criteria: ACMG Guidelines, 2015. Collection method: clinical testing. Allele origin: germline.

Labcorp Genetics (formerly Invitae), Labcorp
Classification: Pathogenic for Maple syrup urine disease. Last evaluated: 2022-03-02. Review status: criteria provided, single submitter. Criteria: Invitae Variant Classification Sherloc (09022015). Collection method: clinical testing. Allele origin: germline.
Comment: This sequence change creates a premature translational stop signal (p.Gln198Glufs*3) in the BCKDHB gene. It is expected to result in an absent or disrupted protein product. Loss-of-function variants in BCKDHB are known to be pathogenic (PMID: 16786533, 22593002). This variant is not present in population databases (gnomAD no frequency). ClinVar contains an entry for this variant (Variation ID: 96598). For these reasons, this variant has been classified as Pathogenic. This variant has not been reported in the literature in individuals affected with BCKDHB-related conditions.

Eurofins Ntd Llc (ga)
Classification: Pathogenic. Last evaluated: 2013-08-23. Review status: criteria provided, single submitter. Criteria: EGL Classification Definitions. Collection method: clinical testing. Allele origin: germline. Observed: 1 variant allele, 1 heterozygote.

Literature cited by the submitters: PubMed 16786533 (cited by Labcorp Genetics (formerly Invitae), Labcorp); PubMed 22593002 (cited by Labcorp Genetics (formerly Invitae), Labcorp).